The following is an entry in ClinVar:

NM_001369.3(DNAH5):c.11469del (p.Ser3824fs)

Gene: DNAH5 (dynein axonemal heavy chain 5; minus strand). Cytogenetic location: 5p15.2.
Variant type: Deletion.
Coding change: c.11469del on transcript NM_001369.3 (MANE Select); coding-DNA position 11469, one base deleted (C; older notation c.11469delC).
Protein change: p.Ser3824fs; shifts the reading frame from serine 3824.
Molecular consequence: frameshift variant.
Genome position (GRCh38, 1-based): chr5:13,735,919, G deleted on the plus strand (C on the coding strand, the reverse complement: DNAH5 is on the minus strand). VCF-style (leftmost placement, unchanged base first): chr5-13735918-TG-T. GRCh37 (hg19) VCF-style: chr5-13736027-TG-T.
Other names: short protein forms S3824fs.
Identifiers: ClinVar variation 1724863 (VCV001724863.2), dbSNP rs2546564231, ClinGen allele CA2580071996.

ClinVar aggregate classification (germline): Likely pathogenic (1 of 4 stars; one submission).

Conditions:
Primary ciliary dyskinesia 3. Identifiers: Orphanet 244, MedGen C1837618, MONDO:0012085, OMIM 608644.

Submission:

Myriad Genetics, Inc.
Classification: Likely pathogenic for Primary ciliary dyskinesia 3. Last evaluated: 2022-03-02. Review status: criteria provided, single submitter. Criteria: Myriad Women's Health Autosomal Recessive and X-Linked Classification Criteria (2021). Collection method: clinical testing. Allele origin: unknown.
Comment: NM_001369.2(DNAH5):c.11469delC(S3824Afs*32) is expected to be pathogenic in the context of DNAH5-related primary ciliary dyskinesia. This variant is predicted to lead to an abnormal or absent protein product due to the creation of a premature termination codon in DNAH5, a gene where loss-of-function variants are known to be pathogenic. Please note: this variant was assessed in the context of healthy population screening.